The following is an entry in ClinVar:

NM_001375524.1(TRRAP):c.4613T>C (p.Leu1538Pro)

Gene: TRRAP (transformation/transcription domain associated protein; plus strand). Cytogenetic location: 7q22.1.
Variant type: single nucleotide variant.
Coding change: c.4613T>C on transcript NM_001375524.1 (MANE Select); coding-DNA position 4613, T replaced by C.
Protein change: p.Leu1538Pro; replaces leucine 1538 with proline.
Molecular consequence: missense variant.
Genome position (GRCh38, 1-based): chr7:98,948,285, T>C. VCF-style: chr7-98948285-T-C. GRCh37 (hg19) VCF-style: chr7-98545908-T-C.
Other names: c.4592T>C, p.Leu1531Pro (NM_001244580.2); c.4538T>C, p.Leu1513Pro (NM_003496.4); short protein forms L1531P, L1513P, L1538P.
Identifiers: ClinVar variation 4087912 (VCV004087912.1).
Genomic context (GRCh38, chr7:98,948,285, plus strand): 5'-TGAAGATTTGCTCAGCAATTATAAACCTTTTTCATCTGATCCCGGCTGCTCCTCAGACAC[T>C]GGTGAAGCCTTTGCTAGAGGTTGTCATGAAAACGGAGCGGGCGATGCTGATCGAGGTAAG-3'
Protein context (NP_001362453.1, residues 1528-1548): FHLIPAAPQT[Leu1538Pro]VKPLLEVVMK

ClinVar aggregate classification (germline): Uncertain significance (1 of 4 stars; one submission).

Submission:

GeneDx
Classification: Uncertain significance. Last evaluated: 2025-03-26. Review status: criteria provided, single submitter. Criteria: GeneDx Variant Classification Process June 2021. Collection method: clinical testing. Allele origin: germline. Affected: yes.
Comment: Not observed at significant frequency in large population cohorts (gnomAD); In silico analysis supports that this missense variant has a deleterious effect on protein structure/function; Has not been previously published as pathogenic or benign to our knowledge